The following is an entry in ClinVar:

NM_018942.3(HMX1):c.941C>G (p.Pro314Arg)

Gene: HMX1 (H6 family homeobox 1; minus strand). Cytogenetic location: 4p16.1.
Variant type: single nucleotide variant.
Coding change: c.941C>G on transcript NM_018942.3 (MANE Select); coding-DNA position 941, C replaced by G.
Protein change: p.Pro314Arg; replaces proline 314 with arginine.
Molecular consequence: missense variant. On other transcripts: intron variant (1).
Genome position (GRCh38, 1-based): chr4:8,867,799, G>C on the plus strand (C>G on the coding strand, the complement: HMX1 is on the minus strand). VCF-style: chr4-8867799-G-C. GRCh37 (hg19) VCF-style: chr4-8869525-G-C.
Other names: c.394+3422C>G (NM_001306142.2); short protein forms P314R.
Identifiers: ClinVar variation 1469550 (VCV001469550.7), dbSNP rs940379768, ClinGen allele CA92349780.

ClinVar aggregate classification (germline): Uncertain significance (1 of 4 stars; one submission).

Allele frequency attached by ClinVar (database versions not stated): TOPMed 0.00003; gnomAD 0.00007.
gnomAD v4.1: 39 of 1,232,446 alleles (0.0032%); highest among the groups gnomAD compares: Non-Finnish European, 0.0021%; no homozygotes.

Submission:

Labcorp Genetics (formerly Invitae), Labcorp
Classification: Uncertain significance. Last evaluated: 2024-10-23. Review status: criteria provided, single submitter. Criteria: Invitae Variant Classification Sherloc (09022015). Collection method: clinical testing. Allele origin: germline.
Comment: This sequence change replaces proline, which is neutral and non-polar, with arginine, which is basic and polar, at codon 314 of the HMX1 protein (p.Pro314Arg). This variant is present in population databases (no rsID available, gnomAD 0.1%). This variant has not been reported in the literature in individuals affected with HMX1-related conditions. ClinVar contains an entry for this variant (Variation ID: 1469550). Invitae Evidence Modeling of protein sequence and biophysical properties (such as structural, functional, and spatial information, amino acid conservation, physicochemical variation, residue mobility, and thermodynamic stability) indicates that this missense variant is not expected to disrupt HMX1 protein function with a negative predictive value of 80%. In summary, the available evidence is currently insufficient to determine the role of this variant in disease. Therefore, it has been classified as a Variant of Uncertain Significance.